The following is an entry in ClinVar:

ClinVar aggregate classification (germline): Uncertain significance (1 of 4 stars; one submission).

Conditions:
Hereditary diffuse gastric adenocarcinoma (HDGC). Also called: DIFFUSE GASTRIC AND LOBULAR BREAST CANCER SYNDROME. Identifiers: Orphanet 26106, MedGen C1708349, MONDO:0007648, OMIM 137215.

Submission:

Labcorp Genetics (formerly Invitae), Labcorp
Classification: Uncertain significance for Hereditary diffuse gastric adenocarcinoma. Last evaluated: 2022-07-30. Review status: criteria provided, single submitter. Criteria: Invitae Variant Classification Sherloc (09022015). Collection method: clinical testing. Allele origin: germline.
Comment: This variant has not been reported in the literature in individuals affected with CDH1-related conditions. This variant is not present in population databases (gnomAD no frequency). This sequence change replaces leucine, which is neutral and non-polar, with valine, which is neutral and non-polar, at codon 230 of the CDH1 protein (p.Leu230Val). Algorithms developed to predict the effect of missense changes on protein structure and function are either unavailable or do not agree on the potential impact of this missense change (SIFT: "Deleterious"; PolyPhen-2: "Probably Damaging"; Align-GVGD: "Class C0"). In summary, the available evidence is currently insufficient to determine the role of this variant in disease. Therefore, it has been classified as a Variant of Uncertain Significance.

NM_004360.5(CDH1):c.688C>G (p.Leu230Val)

Gene: CDH1 (cadherin 1; plus strand). Cytogenetic location: 16q22.1.
Variant type: single nucleotide variant.
Coding change: c.688C>G on transcript NM_004360.5 (MANE Select); coding-DNA position 688, C replaced by G.
Protein change: p.Leu230Val; replaces leucine 230 with valine.
Molecular consequence: missense variant. On other transcripts: 5 prime UTR variant (2).
Genome position (GRCh38, 1-based): chr16:68,810,197, C>G. VCF-style: chr16-68810197-C-G. GRCh37 (hg19) VCF-style: chr16-68844100-C-G.
Other names: c.688C>G, p.Leu230Val (NM_001317184.2); c.-928C>G (NM_001317185.2); c.-1132C>G (NM_001317186.2); short protein forms L230V.
Identifiers: ClinVar variation 1714286 (VCV001714286.6), dbSNP rs1960779010, ClinGen allele CA396458354.
Genomic context (GRCh38, chr16:68,810,197, plus strand): 5'-CCCTTCTCCCATGTTTTCTTCCTCATCAGAGCTCAAGTCACCCTCACTTGGTTCTTTCAG[C>G]TCTTCTCTCACGCTGTGTCATCCAACGGGAATGCAGTTGAGGATCCAATGGAGATTTTGA-3'
Protein context (NP_004351.1, residues 220-240): LDRERIATYT[Leu230Val]FSHAVSSNGN